The following is an entry in ClinVar:

ClinVar aggregate classification (germline): Benign. Review status: criteria provided, multiple submitters, no conflicts (2 of 4 stars). 9 submissions from 9 submitters: Benign (7). 2 of the submissions do not count toward it. Last evaluated 2026-02-04.

Conditions:
Fetal akinesia deformation sequence 1 (FADS1). Also called: Pena-Shokeir syndrome type I; Fetal akinesia sequence. Identifiers: Orphanet 994, MedGen C1276035, MONDO:0100101, OMIM 208150, HP:0001989.
Congenital myasthenic syndrome 9. Also called: Myasthenic syndrome, congenital, 9, associated with acetylcholine receptor deficiency. Identifiers: Orphanet 590, MedGen C4225368, MONDO:0014587, OMIM 616325.

Allele frequency attached by ClinVar (database versions not stated): 1000 Genomes Project 0.10044; TOPMed 0.08615; gnomAD 0.09566 and 0.09877; ESP Exome Variant Server 0.09777; gnomAD exomes 0.13245 and 0.11961; 1000 Genomes Project 30x 0.09494; ExAC 0.12097.
gnomAD v4.1: 207,322 of 1,613,518 alleles (13%); highest among the groups gnomAD compares: East Asian, 22%; 14,411 homozygotes.

Submissions (9):

Labcorp Genetics (formerly Invitae), Labcorp
Classification: Benign for Congenital myasthenic syndrome 9; Fetal akinesia deformation sequence 1. Last evaluated: 2026-02-04. Review status: criteria provided, single submitter. Criteria: Invitae Variant Classification Sherloc (09022015). Collection method: clinical testing. Allele origin: germline.

Illumina Laboratory Services, Illumina
Classification: Benign for Congenital myasthenic syndrome 9. Last evaluated: 2018-01-13. Review status: criteria provided, single submitter. Criteria: ICSL Variant Classification Criteria 13 December 2019. Collection method: clinical testing. Allele origin: germline.
Comment: This variant was observed in the ICSL laboratory as part of a predisposition screen in an ostensibly healthy population. It had not been previously curated by ICSL or reported in the Human Gene Mutation Database (HGMD: prior to June 1st, 2018), and was therefore a candidate for classification through an automated scoring system. Utilizing variant allele frequency, disease prevalence and penetrance estimates, and inheritance mode, an automated score was calculated to assess if this variant is too frequent to cause the disease. Based on the score and internal cut-off values, a variant classified as benign is not then subjected to further curation. The score for this variant resulted in a classification of benign for this disease.

Mayo Clinic Laboratories, Mayo Clinic
Classification: Benign. Last evaluated: 2017-08-21. Review status: criteria provided, single submitter. Criteria: ACMG Guidelines, 2015. Collection method: clinical testing. Allele origin: germline. Observed: 96 variant alleles.

GeneDx
Classification: Benign. Last evaluated: 2016-05-20. Review status: criteria provided, single submitter. Criteria: GeneDx Variant Classification (06012015). Collection method: clinical testing. Allele origin: germline. Affected: yes.
Comment: This variant is considered likely benign or benign based on one or more of the following criteria: it is a conservative change, it occurs at a poorly conserved position in the protein, it is predicted to be benign by multiple in silico algorithms, and/or has population frequency not consistent with disease.

Genetic Services Laboratory, University of Chicago
Classification: Benign for AllHighlyPenetrant. Last evaluated: 2013-08-15. Review status: criteria provided, single submitter. Criteria: ACMG Guidelines, 2007. Collection method: clinical testing. Allele origin: germline. Inheritance: Autosomal recessive inheritance.

Breakthrough Genomics
Classification: Benign. Review status: criteria provided, single submitter. Criteria: ACMG Guidelines, 2015. Collection method: not provided. Allele origin: germline. Inheritance: Autosomal recessive inheritance. Affected: yes.

PreventionGenetics, part of Exact Sciences
Classification: Benign. Review status: criteria provided, single submitter. Criteria: ACMG Guidelines, 2015. Collection method: clinical testing. Allele origin: germline.

Diagnostic Laboratory, Department of Genetics, University Medical Center Groningen
Classification: Benign. Review status: no assertion criteria provided. Collection method: clinical testing. Allele origin: germline. Affected: yes. Study: VKGL Data-share Consensus. Not counted in ClinVar's aggregate classification.

Joint Genome Diagnostic Labs from Nijmegen and Maastricht, Radboudumc and MUMC+
Classification: Benign. Review status: no assertion criteria provided. Collection method: clinical testing. Allele origin: germline. Affected: yes. Study: VKGL Data-share Consensus. Not counted in ClinVar's aggregate classification.

NM_005592.4(MUSK):c.1239G>A (p.Met413Ile)

Gene: MUSK (muscle associated receptor tyrosine kinase; plus strand). Cytogenetic location: 9q31.3.
Variant type: single nucleotide variant.
Coding change: c.1239G>A on transcript NM_005592.4 (MANE Select); coding-DNA position 1239, G replaced by A.
Protein change: p.Met413Ile; replaces methionine 413 with isoleucine.
Molecular consequence: missense variant. On other transcripts: initiator codon variant (1).
Genome position (GRCh38, 1-based): chr9:110,775,842, G>A. VCF-style: chr9-110775842-G-A. GRCh37 (hg19) VCF-style: chr9-113538122-G-A.
Other names: c.1005G>A, p.Met335Ile (NM_001166280.2); c.975G>A, p.Met325Ile (NM_001166281.2); c.3G>A, p.Met1Ile (NM_001369398.1); short protein forms M413I, M335I, M325I, M1I.
Identifiers: ClinVar variation 129630 (VCV000129630.26), dbSNP rs2274419, ClinGen allele CA153735.